The following is an entry in ClinVar:

NM_005475.3(SH2B3):c.605G>A (p.Arg202His)

Gene: SH2B3 (SH2B adaptor protein 3; plus strand). Cytogenetic location: 12q24.12.
Variant type: single nucleotide variant.
Coding change: c.605G>A on transcript NM_005475.3 (MANE Select); coding-DNA position 605, G replaced by A.
Protein change: p.Arg202His; replaces arginine 202 with histidine.
Molecular consequence: missense variant.
Genome position (GRCh38, 1-based): chr12:111,418,750, G>A. VCF-style: chr12-111418750-G-A. GRCh37 (hg19) VCF-style: chr12-111856554-G-A.
Other names: short protein forms R202H.
Identifiers: ClinVar variation 3953519 (VCV003953519.1).

ClinVar aggregate classification (germline): Uncertain significance (1 of 4 stars; one submission).

Conditions:
Inborn genetic diseases. Identifiers: MedGen C0950123, MeSH D030342.

Submission:

Ambry Genetics
Classification: Uncertain significance for Inborn genetic diseases. Last evaluated: 2025-05-23. Review status: criteria provided, single submitter. Criteria: Ambry Variant Classification Scheme 2023. Collection method: clinical testing. Allele origin: germline.
Comment: The p.R202H variant (also known as c.605G>A), located in coding exon 1 of the SH2B3 gene, results from a G to A substitution at nucleotide position 605. The arginine at codon 202 is replaced by histidine, an amino acid with highly similar properties. This amino acid position is conserved. In addition, this alteration is predicted to be tolerated by in silico analysis. Based on the available evidence, the clinical significance of this variant remains unclear.